The following is an entry in ClinVar:

ClinVar aggregate classification (germline): Likely benign (1 of 4 stars; one submission).

Conditions:
Hypertrophic cardiomyopathy. Also called: HYPERTROPHIC MYOCARDIOPATHY. Identifiers: Orphanet 217569, MedGen C0007194, MeSH D002312, MONDO:0005045, HP:0001639.

Allele frequency attached by ClinVar (database versions not stated): gnomAD exomes below 0.00001.
gnomAD v4.1: 1 of 1,569,816 alleles (0.000064%); highest among the groups gnomAD compares: Non-Finnish European, 0.000086%; no homozygotes.

Submission:

All of Us Research Program, National Institutes of Health
Classification: Likely benign for Hypertrophic cardiomyopathy. Last evaluated: 2023-10-06. Review status: criteria provided, single submitter. Criteria: ACMG Guidelines, 2015. Collection method: clinical testing. Allele origin: germline. Inheritance: Autosomal dominant inheritance. Observed: 1 variant allele, 1 heterozygote.
Comment: This study involves interpretation of variants in research participants for the purpose of population health screening. Participant phenotype was not available at the time of variant classification. Additional details can be found in publication PMID: 35346344, PMCID: PMC8962531

NM_000256.3(MYBPC3):c.807A>G (p.Ser269=)

Gene: MYBPC3 (myosin binding protein C3; minus strand). Cytogenetic location: 11p11.2.
Variant type: single nucleotide variant.
Coding change: c.807A>G on transcript NM_000256.3 (MANE Select); coding-DNA position 807, A replaced by G.
Protein change: p.Ser269=; no amino-acid change (serine 269 retained).
Molecular consequence: synonymous variant.
Genome position (GRCh38, 1-based): chr11:47,347,871, T>C on the plus strand (A>G on the coding strand, the complement: MYBPC3 is on the minus strand). VCF-style: chr11-47347871-T-C. GRCh37 (hg19) VCF-style: chr11-47369422-T-C.
Identifiers: ClinVar variation 3073722 (VCV003073722.1), dbSNP rs1275604404, ClinGen allele CA474221307.
Genomic context (GRCh38, chr11:47,347,871, plus strand): 5'-AGACTCCAGCACTGGCCTCCCCCAGGCCCTGAGGATGGCCACTCACGTGCGGCGGAAGGC[T>C]GATAGGAGGTCCAGGTCTCCGGTGCCCATGGCCTCTGGGTTCAAAGGGTGGAGAGATGGG-3'
Protein context (NP_000247.2, residues 259-279): AMGTGDLDLL[Ser269=]AFRRTSLAGG